The following is an entry in ClinVar:

ClinVar aggregate classification (germline): Uncertain significance (1 of 4 stars; one submission).

Conditions:
Congenital contractural arachnodactyly (CCA). Also called: Arthrogryposis, distal, type 9; BEALS SYNDROME; Beals-Hecht syndrome. Identifiers: Orphanet 115, MedGen C0220668, MONDO:0007363, OMIM 121050.

Submission:

Labcorp Genetics (formerly Invitae), Labcorp
Classification: Uncertain significance for Congenital contractural arachnodactyly. Last evaluated: 2024-09-22. Review status: criteria provided, single submitter. Criteria: Invitae Variant Classification Sherloc (09022015). Collection method: clinical testing. Allele origin: germline.
Comment: This sequence change replaces arginine, which is basic and polar, with leucine, which is neutral and non-polar, at codon 827 of the FBN2 protein (p.Arg827Leu). This variant is not present in population databases (gnomAD no frequency). This variant has not been reported in the literature in individuals affected with FBN2-related conditions. Invitae Evidence Modeling of protein sequence and biophysical properties (such as structural, functional, and spatial information, amino acid conservation, physicochemical variation, residue mobility, and thermodynamic stability) indicates that this missense variant is expected to disrupt FBN2 protein function with a positive predictive value of 80%. In summary, the available evidence is currently insufficient to determine the role of this variant in disease. Therefore, it has been classified as a Variant of Uncertain Significance.

NM_001999.4(FBN2):c.2480G>T (p.Arg827Leu)

Gene: FBN2 (fibrillin 2; minus strand). Cytogenetic location: 5q23.3.
Variant type: single nucleotide variant.
Coding change: c.2480G>T on transcript NM_001999.4 (MANE Select); coding-DNA position 2480, G replaced by T.
Protein change: p.Arg827Leu; replaces arginine 827 with leucine.
Molecular consequence: missense variant.
Genome position (GRCh38, 1-based): chr5:128,361,797, C>A on the plus strand (G>T on the coding strand, the complement: FBN2 is on the minus strand). VCF-style: chr5-128361797-C-A. GRCh37 (hg19) VCF-style: chr5-127697490-C-A.
Other names: short protein forms R827L.
Identifiers: ClinVar variation 3618170 (VCV003618170.2).